The following is an entry in ClinVar:

NM_001134363.3(RBM20):c.1968C>G (p.Ser656Arg)

Gene: RBM20 (RNA binding motif protein 20; plus strand). Cytogenetic location: 10q25.2.
Variant type: single nucleotide variant.
Coding change: c.1968C>G on transcript NM_001134363.3 (MANE Select); coding-DNA position 1968, C replaced by G.
Protein change: p.Ser656Arg; replaces serine 656 with arginine.
Molecular consequence: missense variant.
Genome position (GRCh38, 1-based): chr10:110,812,365, C>G. VCF-style: chr10-110812365-C-G. GRCh37 (hg19) VCF-style: chr10-112572123-C-G.
Other names: short protein forms S656R.
Identifiers: ClinVar variation 5028019 (VCV005028019.1).

ClinVar aggregate classification (germline): Uncertain significance (1 of 4 stars; one submission).

Conditions:
Cardiovascular phenotype. Identifiers: MedGen CN230736.

Submission:

Ambry Genetics
Classification: Uncertain significance for Cardiovascular phenotype. Last evaluated: 2026-07-17. Review status: criteria provided, single submitter. Criteria: Ambry Variant Classification Scheme 2023. Collection method: clinical testing. Allele origin: germline.
Comment: The p.S656R variant (also known as c.1968C>G), located in coding exon 9 of the RBM20 gene, results from a C to G substitution at nucleotide position 1968. The serine at codon 656 is replaced by arginine, an amino acid with dissimilar properties. This amino acid position is conserved. In addition, the in silico prediction for this alteration is inconclusive. Based on the available evidence, the clinical significance of this variant remains unclear.